The following is an entry in ClinVar:

ClinVar aggregate classification (germline): Conflicting classifications of pathogenicity. Review status: criteria provided, conflicting classifications (1 of 4 stars). 5 submissions from 5 submitters: Uncertain significance (2); Likely benign (3). Last evaluated 2026-02-04.

Conditions:
Deficiency of alpha-mannosidase (MANSA). Also called: LYSOSOMAL ALPHA-D-MANNOSIDASE DEFICIENCY; Alpha-Mannosidosis; Mannosidosis, alpha-, types I and II. Identifiers: Orphanet 61, MedGen C0024748, MONDO:0009561, OMIM 248500.

Allele frequency attached by ClinVar (database versions not stated): ESP Exome Variant Server 0.00015; gnomAD exomes 0.00015 and 0.00022; TOPMed 0.00019; ExAC 0.00024; gnomAD 0.00026 and 0.00029.

Submissions (5):

Labcorp Genetics (formerly Invitae), Labcorp
Classification: Likely benign for Deficiency of alpha-mannosidase. Last evaluated: 2026-02-04. Review status: criteria provided, single submitter. Criteria: Invitae Variant Classification Sherloc (09022015). Collection method: clinical testing. Allele origin: germline.

CeGaT Center for Human Genetics Tuebingen
Classification: Likely benign. Last evaluated: 2025-07-01. Review status: criteria provided, single submitter. Criteria: CeGaT Center For Human Genetics Tuebingen Variant Classification Criteria Version 2. Collection method: clinical testing. Allele origin: germline. Affected: yes. Observed: 1 variant allele.
Comment: MAN2B1: BP4

Blueprint Genetics
Classification: Likely benign. Last evaluated: 2024-11-28. Review status: criteria provided, single submitter. Criteria: ACMG Guidelines, 2015. Collection method: clinical testing. Allele origin: germline.

Department of Pathology and Laboratory Medicine, Sinai Health System
Classification: Uncertain significance for Deficiency of alpha-mannosidase. Last evaluated: 2022-08-17. Review status: criteria provided, single submitter. Criteria: ACMG Guidelines, 2015. Collection method: research. Allele origin: germline.

Illumina Laboratory Services, Illumina
Classification: Uncertain significance for Deficiency of alpha-mannosidase. Last evaluated: 2018-01-12. Review status: criteria provided, single submitter. Criteria: ICSL Variant Classification Criteria 13 December 2019. Collection method: clinical testing. Allele origin: germline.

NM_000528.4(MAN2B1):c.2501C>T (p.Ser834Leu)

Gene: MAN2B1 (mannosidase alpha class 2B member 1; minus strand). Cytogenetic location: 19p13.13.
Variant type: single nucleotide variant.
Coding change: c.2501C>T on transcript NM_000528.4 (MANE Select); coding-DNA position 2501, C replaced by T.
Protein change: p.Ser834Leu; replaces serine 834 with leucine.
Molecular consequence: missense variant.
Genome position (GRCh38, 1-based): chr19:12,648,338, G>A on the plus strand (C>T on the coding strand, the complement: MAN2B1 is on the minus strand). VCF-style: chr19-12648338-G-A. GRCh37 (hg19) VCF-style: chr19-12759152-G-A.
Other names: c.2498C>T, p.Ser833Leu (NM_001173498.2); short protein forms S834L, S833L.
Identifiers: ClinVar variation 891133 (VCV000891133.19), dbSNP rs199967717, ClinGen allele CA9225997.